The following is an entry in ClinVar:

ClinVar aggregate classification (germline): Uncertain significance (1 of 4 stars; one submission).

Conditions:
Familial thoracic aortic aneurysm and aortic dissection (TAAD). Also called: Thoracic aortic aneurysms and dissections. Identifiers: Orphanet 91387, MedGen C4707243, MONDO:0019625.

gnomAD v4.1: 1 of 1,609,476 alleles (0.000062%); highest among the groups gnomAD compares: Non-Finnish European, 0.000085%; no homozygotes.

Submission:

Ambry Genetics
Classification: Uncertain significance for Familial thoracic aortic aneurysm and aortic dissection. Last evaluated: 2025-03-23. Review status: criteria provided, single submitter. Criteria: Ambry Variant Classification Scheme 2023. Collection method: clinical testing. Allele origin: germline.
Comment: The p.R79L variant (also known as c.236G>T), located in coding exon 3 of the NOTCH1 gene, results from a G to T substitution at nucleotide position 236. The arginine at codon 79 is replaced by leucine, an amino acid with dissimilar properties. This amino acid position is conserved. In addition, this alteration is predicted to be tolerated by in silico analysis. Based on the available evidence, the clinical significance of this variant remains unclear.

NM_017617.5(NOTCH1):c.236G>T (p.Arg79Leu)

Gene: NOTCH1 (notch receptor 1; minus strand). Cytogenetic location: 9q34.3.
Variant type: single nucleotide variant.
Coding change: c.236G>T on transcript NM_017617.5 (MANE Select); coding-DNA position 236, G replaced by T.
Protein change: p.Arg79Leu; replaces arginine 79 with leucine.
Molecular consequence: missense variant.
Genome position (GRCh38, 1-based): chr9:136,523,884, C>A on the plus strand (G>T on the coding strand, the complement: NOTCH1 is on the minus strand). VCF-style: chr9-136523884-C-A. GRCh37 (hg19) VCF-style: chr9-139418336-C-A.
Other names: short protein forms R79L.
Identifiers: ClinVar variation 3921035 (VCV003921035.1).